The following is an entry in ClinVar:

ClinVar aggregate classification (germline): Uncertain significance (1 of 4 stars; one submission).

Conditions:
Primary ciliary dyskinesia. Also called: Ciliary dyskinesia. Identifiers: Orphanet 244, MedGen C0008780, MONDO:0016575, HP:0012265.

Submission:

Labcorp Genetics (formerly Invitae), Labcorp
Classification: Uncertain significance for Primary ciliary dyskinesia. Last evaluated: 2024-05-13. Review status: criteria provided, single submitter. Criteria: Invitae Variant Classification Sherloc (09022015). Collection method: clinical testing. Allele origin: germline.
Comment: This sequence change replaces proline, which is neutral and non-polar, with serine, which is neutral and polar, at codon 4 of the CCDC40 protein (p.Pro4Ser). This variant is not present in population databases (gnomAD no frequency). This variant has not been reported in the literature in individuals affected with CCDC40-related conditions. An algorithm developed to predict the effect of missense changes on protein structure and function (PolyPhen-2) suggests that this variant is likely to be tolerated. In summary, the available evidence is currently insufficient to determine the role of this variant in disease. Therefore, it has been classified as a Variant of Uncertain Significance.

NM_017950.4(CCDC40):c.10C>T (p.Pro4Ser)

Gene: CCDC40 (coiled-coil domain 40 molecular ruler complex subunit; plus strand). Cytogenetic location: 17q25.3.
Variant type: single nucleotide variant.
Coding change: c.10C>T on transcript NM_017950.4 (MANE Select); coding-DNA position 10, C replaced by T.
Protein change: p.Pro4Ser; replaces proline 4 with serine.
Molecular consequence: missense variant.
Genome position (GRCh38, 1-based): chr17:80,036,672, C>T. VCF-style: chr17-80036672-C-T. GRCh37 (hg19) VCF-style: chr17-78010471-C-T.
Other names: c.10C>T, p.Pro4Ser (NM_001243342.2, NM_001330508.2); short protein forms P4S.
Identifiers: ClinVar variation 3717536 (VCV003717536.2).